The following is an entry in ClinVar:

NM_198129.4(LAMA3):c.6041del (p.Gln2014fs)

Gene: LAMA3 (laminin subunit alpha 3; plus strand). Cytogenetic location: 18q11.2.
Variant type: Deletion.
Coding change: c.6041del on transcript NM_198129.4 (MANE Select); coding-DNA position 6041, one base deleted (A; older notation c.6041delA).
Protein change: p.Gln2014fs; shifts the reading frame from glutamine 2014.
Molecular consequence: frameshift variant.
Genome position (GRCh38, 1-based): chr18:23,901,163, A deleted. VCF-style (leftmost placement, unchanged base first): chr18-23901162-CA-C. GRCh37 (hg19) VCF-style: chr18-21481126-CA-C.
Other names: c.1214del, p.Gln405fs (NM_000227.6); c.5873del, p.Gln1958fs (NM_001127717.4); c.1046del, p.Gln349fs (NM_001127718.4); short protein forms Q1958fs, Q2014fs, Q349fs, Q405fs.
Identifiers: ClinVar variation 549906 (VCV000549906.5), dbSNP rs1555731178, ClinGen allele CA658824117.

ClinVar aggregate classification (germline): Pathogenic. Review status: criteria provided, single submitter (1 of 4 stars). 2 submissions from 2 submitters: Pathogenic (1). 1 of the submissions does not count toward it. Last evaluated 2023-02-22.

Conditions:
Junctional epidermolysis bullosa gravis of Herlitz. Also called: Herlitz-type junctional epidermolysis bullosa; EPIDERMOLYSIS BULLOSA, JUNCTIONAL 1B, SEVERE; Epidermolysis Bullosa Letalis; EPIDERMOLYSIS BULLOSA JUNCTIONALIS, HERLITZ TYPE; EPIDERMOLYSIS BULLOSA, JUNCTIONAL, HERLITZ-PEARSON TYPE; JEB-HERLITZ TYPE. Identifiers: Orphanet 79404, MedGen C0079683, MONDO:0009182, OMIM 226700.

Submissions (2):

Labcorp Genetics (formerly Invitae), Labcorp
Classification: Pathogenic. Last evaluated: 2023-02-22. Review status: criteria provided, single submitter. Criteria: Invitae Variant Classification Sherloc (09022015). Collection method: clinical testing. Allele origin: germline.
Comment: This sequence change creates a premature translational stop signal (p.Gln405Argfs*15) in the LAMA3 gene. It is expected to result in an absent or disrupted protein product. Loss-of-function variants in LAMA3 are known to be pathogenic (PMID: 10366601, 11810295, 12915477, 16473856, 17362460, 22434185, 23869449, 27827380, 28087116). This variant is not present in population databases (gnomAD no frequency). This premature translational stop signal has been observed in individual(s) with autosomal recessive junctional epidermolysis bullosa (PMID: 27375110). ClinVar contains an entry for this variant (Variation ID: 549906). For these reasons, this variant has been classified as Pathogenic.

Counsyl
Classification: Pathogenic for Junctional epidermolysis bullosa gravis of Herlitz. Last evaluated: 2017-11-21. Review status: no assertion criteria provided. Collection method: clinical testing. Allele origin: unknown. Not counted in ClinVar's aggregate classification.

Literature cited by the submitters: PubMed 10366601 (cited by Labcorp Genetics (formerly Invitae), Labcorp); PubMed 11810295 (cited by Labcorp Genetics (formerly Invitae), Labcorp); PubMed 12915477 (cited by Labcorp Genetics (formerly Invitae), Labcorp); PubMed 16473856 (cited by Labcorp Genetics (formerly Invitae), Labcorp); PubMed 17362460 (cited by Labcorp Genetics (formerly Invitae), Labcorp); PubMed 22434185 (cited by Labcorp Genetics (formerly Invitae), Labcorp); PubMed 23869449 (cited by Labcorp Genetics (formerly Invitae), Labcorp); PubMed 27827380 (cited by Labcorp Genetics (formerly Invitae), Labcorp); PubMed 28087116 (cited by Labcorp Genetics (formerly Invitae), Labcorp); PubMed 27375110 (cited by Labcorp Genetics (formerly Invitae), Labcorp and Counsyl).